The following is an entry in ClinVar:

NM_133259.4(LRPPRC):c.2966G>C (p.Arg989Pro)

Gene: LRPPRC (leucine rich pentatricopeptide repeat containing; minus strand). Cytogenetic location: 2p21.
Variant type: single nucleotide variant.
Coding change: c.2966G>C on transcript NM_133259.4 (MANE Select); coding-DNA position 2966, G replaced by C.
Protein change: p.Arg989Pro; replaces arginine 989 with proline.
Molecular consequence: missense variant.
Genome position (GRCh38, 1-based): chr2:43,918,329, C>G on the plus strand (G>C on the coding strand, the complement: LRPPRC is on the minus strand). VCF-style: chr2-43918329-C-G. GRCh37 (hg19) VCF-style: chr2-44145468-C-G.
Other names: short protein forms R989P.
Identifiers: ClinVar variation 1024637 (VCV001024637.7), dbSNP rs774857058, ClinGen allele CA1638247.
Genomic context (GRCh38, chr2:43,918,329, plus strand): 5'-AACGGAACTTCCTGGTTACCCTCTCTAAGGATTTCTGCTAATAATCTTAATGTCTTTTCA[C>G]GAGGAATAACATTTTCTTCTTGGATTTTATTCCAGACTGCATCAGCTCTTTGCCAGTCAC-3'
Protein context (NP_573566.2, residues 979-999): NKIQEENVIP[Arg989Pro]EKTLRLLAEI

ClinVar aggregate classification (germline): Uncertain significance. Review status: criteria provided, single submitter (1 of 4 stars). 2 submissions from 2 submitters: Uncertain significance (1). 1 of the submissions does not count toward it. Last evaluated 2022-07-12.

Conditions:
Congenital lactic acidosis, Saguenay-Lac-Saint-Jean type (MC4DN5). Also called: MITOCHONDRIAL COMPLEX IV DEFICIENCY, NUCLEAR TYPE 5; CYTOCHROME c OXIDASE DEFICIENCY, FRENCH CANADIAN TYPE; COX DEFICIENCY, FRENCH CANADIAN TYPE. Identifiers: Orphanet 70472, MedGen C1857355, MONDO:0009069, OMIM 220111.

Allele frequency attached by ClinVar (database versions not stated): TOPMed 0.00006.
gnomAD v4.1: 24 of 1,609,496 alleles (0.0015%); highest among the groups gnomAD compares: African/African-American, 0.0053%; no homozygotes.

Submissions (2):

Labcorp Genetics (formerly Invitae), Labcorp
Classification: Uncertain significance. Last evaluated: 2022-07-12. Review status: criteria provided, single submitter. Criteria: Invitae Variant Classification Sherloc (09022015). Collection method: clinical testing. Allele origin: germline.
Comment: This sequence change replaces arginine, which is basic and polar, with proline, which is neutral and non-polar, at codon 989 of the LRPPRC protein (p.Arg989Pro). This variant is present in population databases (rs774857058, gnomAD 0.01%). This variant has not been reported in the literature in individuals affected with LRPPRC-related conditions. ClinVar contains an entry for this variant (Variation ID: 1024637). Advanced modeling of protein sequence and biophysical properties (such as structural, functional, and spatial information, amino acid conservation, physicochemical variation, residue mobility, and thermodynamic stability) performed at Invitae indicates that this missense variant is expected to disrupt LRPPRC protein function. In summary, the available evidence is currently insufficient to determine the role of this variant in disease. Therefore, it has been classified as a Variant of Uncertain Significance.

Natera, Inc.
Classification: Uncertain significance for French-Canadian type Leigh syndrome. Last evaluated: 2021-06-22. Review status: no assertion criteria provided. Collection method: clinical testing. Allele origin: germline. Not counted in ClinVar's aggregate classification.